The following is an entry in ClinVar:

NM_000094.4(COL7A1):c.6187C>T (p.Arg2063Trp)

Gene: COL7A1 (collagen type VII alpha 1 chain; minus strand). Cytogenetic location: 3p21.31.
Variant type: single nucleotide variant.
Coding change: c.6187C>T on transcript NM_000094.4 (MANE Select); coding-DNA position 6187, C replaced by T.
Protein change: p.Arg2063Trp; replaces arginine 2063 with tryptophan.
Molecular consequence: missense variant.
Genome position (GRCh38, 1-based): chr3:48,575,236, G>A on the plus strand (C>T on the coding strand, the complement: COL7A1 is on the minus strand). VCF-style: chr3-48575236-G-A. GRCh37 (hg19) VCF-style: chr3-48612669-G-A.
Other names: c.[6187C>T] (NM_000094.3); short protein forms R2063W.
Identifiers: ClinVar variation 17456 (VCV000017456.17), dbSNP rs121912849, ClinGen allele CA257956.
Genomic context (GRCh38, chr3:48,575,236, plus strand): 5'-AGCCTGCCCCACGAAGCCCATCGCAGCCCACCTGTTCTCCACGTTCTCCTTTCTCTCCCC[G>A]TTCTCCCTGAAATGCAAATAGCGGGTGAGGGCCAAGCCCATGGGGGGTCCCACCCCTCCC-3'
Protein context (NP_000085.1, residues 2053-2073): EAGRPGERGE[Arg2063Trp]GEKGERGEQG

ClinVar aggregate classification (germline): Pathogenic. Review status: criteria provided, multiple submitters, no conflicts (2 of 4 stars). 9 submissions from 9 submitters: Pathogenic (8). 1 of the submissions does not count toward it. Last evaluated 2026-07-05.

Conditions:
COL7A1-related disorder. Also called: COL7A1-related condition; COL7A1- related disorders.
Epidermolysis bullosa pruriginosa. Also called: DEB, PRURIGINOSA; DYSTROPHIC EPIDERMOLYSIS BULLOSA PRURIGINOSA. Identifiers: Orphanet 89843, MedGen C1275114, MONDO:0011398, OMIM 604129.
Transient bullous dermolysis of the newborn (TBDN). Also called: EPIDERMOLYSIS BULLOSA DYSTROPHICA, NEONATAL FORM; DYSTROPHIC EPIDERMOLYSIS BULLOSA, NEONATAL. Identifiers: Orphanet 79411, MedGen C1851573, MONDO:0007548, OMIM 131705.
Dominant dystrophic epidermolysis bullosa with absence of skin. Also called: EPIDERMOLYSIS BULLOSA WITH CONGENITAL LOCALIZED ABSENCE OF SKIN AND DEFORMITY OF NAILS; EPIDERMOLYSIS BULLOSA DYSTROPHICA, BART TYPE. Identifiers: MedGen C0268371, MONDO:0007557, OMIM 132000.
Generalized dominant dystrophic epidermolysis bullosa (DDEB). Also called: DDEB, generalized; DDEB-gen; DYSTROPHIC EPIDERMOLYSIS BULLOSA, AUTOSOMAL DOMINANT; Epidermolysis bullosa dystrophica, autosomal dominant; Dominant DEB (DDEB). Identifiers: Orphanet 231568, MedGen C0432322, MONDO:0007549, OMIM 131750.
Nonsyndromic congenital nail disorder 8. Also called: TOENAIL DYSTROPHY, ISOLATED. Identifiers: MedGen C1843761, MONDO:0011852, OMIM 607523.
Pretibial dystrophic epidermolysis bullosa. Also called: EPIDERMOLYSIS BULLOSA DYSTROPHICA, PRETIBIAL; Pretibial blistering; Pretibial epidermolysis bullosa. Identifiers: Orphanet 79410, MedGen C0432321, MONDO:0007552, OMIM 131850, HP:0012221.
Recessive dystrophic epidermolysis bullosa (RDEB). Also called: severe generalized recessive dystrophic epidermolysis bullosa; Epidermolysis Bullosa Distrophica Autosomal Recessive (RDEB); EPIDERMOLYSIS BULLOSA DYSTROPHICA, GENERALIZED SEVERE, AUTOSOMAL RECESSIVE; DYSTROPHIC EPIDERMOLYSIS BULLOSA, AUTOSOMAL RECESSIVE; EPIDERMOLYSIS BULLOSA DYSTROPHICA, HALLOPEAU-SIEMENS TYPE; epidermolysis bullosa dystrophica, autosomal recessive. Identifiers: Orphanet 79408, Orphanet 79409, MedGen C0079474, MONDO:0009179, OMIM 226600.
Epidermolysis bullosa dystrophica. Also called: Dystrophic epidermolysis bullosa; Dystrophic epidermolysis bullosa, Hallopeau-Siemens type (formerly). Identifiers: Orphanet 303, MedGen C0079294, MONDO:0006543.

Allele frequency attached by ClinVar (database versions not stated): gnomAD 0.00001; ExAC 0.00001.
gnomAD v4.1: 13 of 1,613,812 alleles (0.00081%); highest among the groups gnomAD compares: East Asian, 0.0022%; no homozygotes.

Submissions (9):

PreventionGenetics, part of Exact Sciences
Classification: Pathogenic for COL7A1-related condition. Last evaluated: 2026-07-05. Review status: criteria provided, single submitter. Criteria: ACMG Guidelines, 2015. Collection method: clinical testing. Allele origin: germline.
Comment: The COL7A1 c.6187C>T variant is predicted to result in the amino acid substitution p.Arg2063Trp. This variant has been reported in the homozygous and compound heterozygous in individuals with epidermolysis bullosa dystrophica (see for example, Hovnanian et al. 1997. PubMed ID: 9326325; Almaani et al. 2011. PubMed ID: 21448560; Chen et al. 2022. PubMed ID: 36287101; Gupta et al. 2023. PubMed ID: 37556444). In vitro functional studies have shown this variant impact protein structure and function (Woodley et al. 2008. PubMed ID: 18450758; Woodley et al. 2021. PubMed ID: 34674926). This variant is reported in 0.0018% of alleles in individuals of European (Non-Finnish) descent in gnomAD. This variant is interpreted as pathogenic.

Women's Health and Genetics/Laboratory Corporation of America, LabCorp
Classification: Pathogenic for Dystrophic Epidermolysis Bullosa, Recessive. Last evaluated: 2024-07-03. Review status: criteria provided, single submitter. Criteria: LabCorp Variant Classification Summary - May 2015. Collection method: clinical testing. Allele origin: germline.
Comment: Variant summary: COL7A1 c.6187C>T (p.Arg2063Trp) results in a non-conservative amino acid change in the encoded protein sequence. Four of five in-silico tools predict a damaging effect of the variant on protein function. The variant allele was found at a frequency of 8e-06 in 251234 control chromosomes. c.6187C>T has been reported in the literature in the presumed compound heterozygous, compound heterozygous, or homozygous state in multiple individuals affected with autosomal recessive Dystrophic Epidermolysis Bullosa (example, Ben Brick_2014, Chen_2023, Hovanian_1997, Jerabkova_2010), including in at least 1 individual who carried a pathogenic variant in trans. Additionally, this variant was found in the heterozygous state in several individuals affected with dystrophic epidermolysis bullosa (example, Ben Brick_2014, Cuadro-Corrales_2010, Danescu_2015, Escamez_2010, Posteraro_2005), however parental genotype/phenotype correlations were not available. These data indicate that the variant is very likely to be associated with disease. In homozygous patient samples, this variant was associated with normal transcription and protein expression levels in at least 1 study (example, Hovanian_1997), however follow up studies in patient samples heterozygous for this variant found that collagen VII protein levels were reduced and altered (data not quantified) (example, Escamez_2010, Posteraro_2005). In vitro, this variant resulted in reduced fibroblast adhesion and keratinocyte migration, as well as increased susceptibility to protease digestion (example, Woodley_2008, Woodley_2021). The following publications have been ascertained in the context of this evaluation (PMID: 24170138, 36287101, 20920254, 25201089, 20184583, 9326325, 20598510, 16271705, 27899325, 18450758, 34674926). ClinVar contains an entry for this variant (Variation ID: 17456). Based on the evidence outlined above, the variant was classified as pathogenic.

Labcorp Genetics (formerly Invitae), Labcorp
Classification: Pathogenic. Last evaluated: 2024-05-02. Review status: criteria provided, single submitter. Criteria: Invitae Variant Classification Sherloc (09022015). Collection method: clinical testing. Allele origin: germline.
Comment: This sequence change replaces arginine, which is basic and polar, with tryptophan, which is neutral and slightly polar, at codon 2063 of the COL7A1 protein (p.Arg2063Trp). This variant is present in population databases (rs121912849, gnomAD 0.002%). This missense change has been observed in individual(s) with autosomal recessive dystrophic epidermolysis bullosa (PMID: 9326325, 12207583, 28830826). In at least one individual the data is consistent with being in trans (on the opposite chromosome) from a pathogenic variant. ClinVar contains an entry for this variant (Variation ID: 17456). Advanced modeling of protein sequence and biophysical properties (such as structural, functional, and spatial information, amino acid conservation, physicochemical variation, residue mobility, and thermodynamic stability) performed at Invitae indicates that this missense variant is expected to disrupt COL7A1 protein function with a positive predictive value of 95%. Experimental studies have shown that this missense change affects COL7A1 function (PMID: 18450758). For these reasons, this variant has been classified as Pathogenic.

Natera, Inc.
Classification: Pathogenic for Dystrophic epidermolysis bullosa. Last evaluated: 2024-04-18. Review status: criteria provided, single submitter. Criteria: Natera Variant Classification Schema (03/2026). Collection method: clinical testing. Allele origin: germline.
Comment: The c.6187C>T variant in COL7A1 is a missense variant predicted to cause substitution of arginine to tryptophan at amino acid 2063. This variant is rare in the general population with a frequency below the threshold expected for the associated phenotype(s). This variant has been observed in one or more individuals affected with the associated recessive disease, as either homozygous or compound heterozygous with a second variant (PMID: 27899325, 24170138, 32484238). Given the available evidence, this variant is classified as Pathogenic.

GeneDx
Classification: Pathogenic. Last evaluated: 2022-11-02. Review status: criteria provided, single submitter. Criteria: GeneDx Variant Classification Process June 2021. Collection method: clinical testing. Allele origin: germline. Affected: yes.
Comment: Reported previously in the homozygous state or with a second COL7A1 variant in patients with autosomal recessive DEB (Hovnanian et al., 1997; Hashimoto et al., 1999; Gardella et al., 2002; Kern et al., 2009; Ben Brick et al., 2014; Kopeckova et al., 2016; Chen et al., 2020); Identified in unrelated patients with generalized DEB as a single heterozygous variant with no second COL7A1 variant identified (Posteraro et al., 2005; Escamez et al., 2010; Ben Brick et al., 2014; Danescu et al., 2015); Published functional studies demonstrate that this variant is located next to the helical interruption hinge region and results in local triple helix destabilization, and fibroblasts with this variant exhibit decreased motility and adhesion in vitro (Woodley et al., 2006); Not observed at significant frequency in large population cohorts (gnomAD); In silico analysis supports that this missense variant has a deleterious effect on protein structure/function; This variant is associated with the following publications: (PMID: 20184583, 33969388, 21448560, 12207583, 19681861, 10232406, 18558993, 16271705, 12880418, 25201089, 15115517, 18030675, 26707537, 28830826, 34426522, 24170138, 35314946, 32484238, 9326325, 18450758)

Biomedical Innovation Departament, CIEMAT
Classification: Pathogenic for Dystrophic epidermolysis bullosa. Last evaluated: 2017-10-31. Review status: criteria provided, single submitter. Criteria: ACMG Guidelines, 2015. Collection method: research. Allele origin: germline. Affected: yes. Observed: 2 variant alleles.

Juno Genomics, Hangzhou Juno Genomics, Inc
Classification: Pathogenic for Recessive dystrophic epidermolysis bullosa; Generalized dominant dystrophic epidermolysis bullosa; Dominant dystrophic epidermolysis bullosa with absence of skin; Nonsyndromic congenital nail disorder 8; Epidermolysis bullosa pruriginosa; Pretibial dystrophic epidermolysis bullosa; Transient bullous dermolysis of the newborn. Review status: criteria provided, single submitter. Criteria: ACMG Guidelines, 2015. Collection method: clinical testing. Allele origin: germline.
Comment: Absent from controls (or at extremely low frequency if recessive) in Genome Aggregation Database.;Missense variant in a gene that has a low rate of benign missense variation.;Well-established in vitro or in vivo functional studies supportive of a damaging effect on the gene or gene product.;For recessive disorders, detected in trans with a pathogenic variant.

Neuberg Centre For Genomic Medicine, NCGM
Classification: Pathogenic for Recessive dystrophic epidermolysis bullosa. Review status: criteria provided, single submitter. Criteria: ACMG Guidelines, 2015. Collection method: clinical testing. Allele origin: germline. Affected: yes.
Comment: The missense variant p.R2063W in COL7A1 (NM_000094.3) has been previously reported in affected patients (Ben Brick et al., 2014).Functional studies have demonstrated a damaging effect. The variant has been submitted to ClinVar as Pathogenic. The p.R2063W variant is observed in 2/1,13,580 (0.0018%) alleles from individuals of European (Non-Finnish) background in gnomAD Exomes and is novel (not in any individuals) in 1000 Genomes. For these reasons, this variant has been classified as Pathogenic.

OMIM
Classification: Pathogenic for EPIDERMOLYSIS BULLOSA DYSTROPHICA, AUTOSOMAL RECESSIVE. Last evaluated: 2008-02-01. Review status: no assertion criteria provided. Collection method: literature only. Allele origin: germline. Not counted in ClinVar's aggregate classification.

Literature cited by the submitters: PubMed 20184583 (cited by Women's Health and Genetics/Laboratory Corporation of America, LabCorp); PubMed 9326325 (cited by 4 submitters); PubMed 18450758 (cited by Women's Health and Genetics/Laboratory Corporation of America, LabCorp and Labcorp Genetics (formerly Invitae), Labcorp); PubMed 36287101 (cited by Women's Health and Genetics/Laboratory Corporation of America, LabCorp); PubMed 20598510 (cited by Women's Health and Genetics/Laboratory Corporation of America, LabCorp); PubMed 34674926 (cited by Women's Health and Genetics/Laboratory Corporation of America, LabCorp); PubMed 27899325 (cited by Women's Health and Genetics/Laboratory Corporation of America, LabCorp and Natera, Inc.); PubMed 20920254 (cited by Women's Health and Genetics/Laboratory Corporation of America, LabCorp); PubMed 24170138 (cited by Women's Health and Genetics/Laboratory Corporation of America, LabCorp and Natera, Inc.); PubMed 25201089 (cited by Women's Health and Genetics/Laboratory Corporation of America, LabCorp); PubMed 16271705 (cited by Women's Health and Genetics/Laboratory Corporation of America, LabCorp); PubMed 12207583 (cited by Labcorp Genetics (formerly Invitae), Labcorp); PubMed 28830826 (cited by Labcorp Genetics (formerly Invitae), Labcorp); PubMed 32484238 (cited by Natera, Inc.); PubMed 18030675 (cited by OMIM).